The following is an entry in ClinVar:

NM_007294.4(BRCA1):c.2576del (p.Asn859fs)

Gene: BRCA1 (BRCA1 DNA repair associated; minus strand). Cytogenetic location: 17q21.31.
Variant type: Deletion.
Coding change: c.2576del on transcript NM_007294.4 (MANE Select); coding-DNA position 2576, one base deleted (A; older notation c.2576delA).
Protein change: p.Asn859fs; shifts the reading frame from asparagine 859.
Molecular consequence: frameshift variant. On other transcripts: intron variant (137).
Genome position (GRCh38, 1-based): chr17:43,092,955, T deleted on the plus strand (A on the coding strand, the reverse complement: BRCA1 is on the minus strand); the first of 2 consecutive T bases (chr17:43,092,955-43,092,956); deleting either gives the same sequence. VCF-style (leftmost placement, unchanged base first): chr17-43092954-AT-A. GRCh37 (hg19) VCF-style: chr17-41244971-AT-A.
Other names: c.2576delA (NM_007294.3); c.2435del, p.Asn812fs (NM_001407737.1, NM_001407738.1, NM_001407739.1 and 29 more transcripts); c.2432del, p.Asn811fs (NM_001407740.1, NM_001407741.1, NM_001407742.1 and 20 more transcripts); c.2363del, p.Asn788fs (NM_001407853.1, NM_001407894.1, NM_001407895.1 and 9 more transcripts); c.2576del, p.Asn859fs (NM_001407854.1, NM_001407858.1, NM_001407859.1 and 30 more transcripts); c.2573del, p.Asn858fs (NM_001407860.1, NM_001407861.1, NM_001407587.1 and 22 more transcripts); c.2375del, p.Asn792fs (NM_001407862.1); c.2453del, p.Asn818fs (NM_001407863.1, NM_001407919.1, NM_001407937.1 and 19 more transcripts); and 42 more; short protein forms N812fs, N859fs, N732fs, N771fs, N788fs, N833fs, N856fs, N770fs.
Identifiers: ClinVar variation 548256 (VCV000548256.3), dbSNP rs1555589351, ClinGen allele CA658824000.
Genomic context (GRCh38, chr17:43,092,954, plus strand): 5'-TTCTGCATTTCCTGGATTTGAAAACGGAGCAAATGACTGGCGCTTTGAAACCTTGAATGT[AT>A]TCTGCAAATACTGAGCATCAAGTTCACTTTCTTCCATTTCTATGCTTGTTTCCCGACTGT-3'

ClinVar aggregate classification (germline): Pathogenic. Review status: reviewed by expert panel (3 of 4 stars). 2 submissions from 2 submitters: Pathogenic (1). 1 of the submissions does not count toward it. Last evaluated 2017-12-15.

Conditions:
Breast-ovarian cancer, familial, susceptibility to, 1 (BROVCA1). Also called: BRCA1 Hereditary Breast and Ovarian Cancer; OVARIAN CANCER, SUSCEPTIBILITY TO. Identifiers: Orphanet 145, MedGen C2676676, MONDO:0011450, OMIM 604370. Disease mechanism: loss of function.
Hereditary cancer-predisposing syndrome. Also called: Tumor predisposition; Neoplastic Syndromes, Hereditary; Hereditary Cancer Syndrome; Hereditary neoplastic syndrome. Identifiers: Orphanet 140162, MedGen C0027672, MeSH D009386, MONDO:0015356.

Submissions (2):

Evidence-based Network for the Interpretation of Germline Mutant Alleles (ENIGMA)
Classification: Pathogenic for Breast-ovarian cancer, familial, susceptibility to, 1. Last evaluated: 2017-12-15. Review status: reviewed by expert panel. Criteria: ENIGMA BRCA1/2 Classification Criteria (2017-06-29). Collection method: curation. Allele origin: germline. Study: ENIGMA.
Comment: Variant allele predicted to encode a truncated non-functional protein.

Color Diagnostics, LLC DBA Color Health
Classification: Pathogenic for Hereditary cancer-predisposing syndrome. Last evaluated: 2024-09-10. Review status: criteria provided, single submitter. Criteria: ACMG Guidelines, 2015. Collection method: clinical testing. Allele origin: germline. Not counted in ClinVar's aggregate classification.
Comment: This variant deletes 1 nucleotide in exon 10 of the BRCA1 gene, creating a frameshift and premature translation stop signal. This variant is expected to result in an absent or non-functional protein product. This variant has been reported in a suspected hereditary breast and ovarian cancer family (PMID: 31209999). This variant has not been identified in the general population by the Genome Aggregation Database (gnomAD). Loss of BRCA1 function is a known mechanism of disease. Based on the available evidence, this variant is classified as Pathogenic.

Literature cited by the submitters: PubMed 31209999 (cited by Color Diagnostics, LLC DBA Color Health).